The following is an entry in ClinVar:

NM_001267550.2(TTN):c.52758_52759insTTTTTTTTTTTTTTTTTTTTNNNNNNNNNNCCTCATGATCCACCCGCCTCGGCCTCCCAAAGTGCTGGGATTACAGGCGTGAGCCACCGCGCCCGGCCTGCTCTACAACTATT (p.Glu17587fs)

Genes: TTN-AS1 (TTN antisense RNA 1; plus strand), TTN (titin; minus strand), LOC126806425 (BRD4-independent group 4 enhancer GRCh37_chr2:179471933-179473132; plus strand). Cytogenetic location: 2q31.2.
Variant type: Insertion.
Coding change: c.52758_52759insTTTTTTTTTTTTTTTTTTTTNNNNNNNNNNCCTCATGATCCACCCGCCTCGGCCTCCCAAAGTGCTGGGATTACAGGCGTGAGCCACCGCGCCCGGCCTGCTCTACAACTATT on transcript NM_001267550.2 (MANE Select); coding-DNA positions 52758 to 52759, TTTTTTTTTTTTTTTTTTTTNNNNNNNNNNCCTCATGATCCACCCGCCTCGGCCTCCCAAAGTGCTGGGATTACAGGCGTGAGCCACCGCGCCCGGCCTGCTCTACAACTATT inserted.
Protein change: p.Glu17587fs; shifts the reading frame from glutamic acid 17587.
Molecular consequence: frameshift variant.
Genome position: GRCh38: chr2:178,608,042-178,608,043. GRCh37 (hg19): chr2:179,472,769-179,472,770.
Other names: c.47835_47836insTTTTTTTTTTTTTTTTTTTTNNNNNNNNNNCCTCATGATCCACCCGCCTCGGCCTCCCAAAGTGCTGGGATTACAGGCGTGAGCCACCGCGCCCGGCCTGCTCTACAACTATT, p.Glu15946fs (NM_001256850.1); c.25563_25564insTTTTTTTTTTTTTTTTTTTTNNNNNNNNNNCCTCATGATCCACCCGCCTCGGCCTCCCAAAGTGCTGGGATTACAGGCGTGAGCCACCGCGCCCGGCCTGCTCTACAACTATT, p.Glu8522fs (NM_003319.4); c.45054_45055insTTTTTTTTTTTTTTTTTTTTNNNNNNNNNNCCTCATGATCCACCCGCCTCGGCCTCCCAAAGTGCTGGGATTACAGGCGTGAGCCACCGCGCCCGGCCTGCTCTACAACTATT, p.Glu15019fs (NM_133378.4); c.25938_25939insTTTTTTTTTTTTTTTTTTTTNNNNNNNNNNCCTCATGATCCACCCGCCTCGGCCTCCCAAAGTGCTGGGATTACAGGCGTGAGCCACCGCGCCCGGCCTGCTCTACAACTATT, p.Glu8647fs (NM_133432.3); c.26139_26140insTTTTTTTTTTTTTTTTTTTTNNNNNNNNNNCCTCATGATCCACCCGCCTCGGCCTCCCAAAGTGCTGGGATTACAGGCGTGAGCCACCGCGCCCGGCCTGCTCTACAACTATT, p.Glu8714fs (NM_133437.4); short protein forms E15019fs, E15946fs, E17587fs, E8522fs, E8647fs, E8714fs.
Identifiers: ClinVar variation 3757064 (VCV003757064.2).

ClinVar aggregate classification (germline): Likely pathogenic (1 of 4 stars; one submission).

Conditions:
Dilated cardiomyopathy 1G (CMD1G). Identifiers: Orphanet 154, MedGen C1858763, MONDO:0011400, OMIM 604145.
Autosomal recessive limb-girdle muscular dystrophy type 2J (LGMDR10). Also called: Limb-girdle muscular dystrophy, type 2J; MUSCULAR DYSTROPHY, LIMB-GIRDLE, AUTOSOMAL RECESSIVE 10. Identifiers: Orphanet 140922, MedGen C1837342, MONDO:0012127, OMIM 608807.

Submission:

Labcorp Genetics (formerly Invitae), Labcorp
Classification: Likely pathogenic for Dilated cardiomyopathy 1G; Autosomal recessive limb-girdle muscular dystrophy type 2J. Last evaluated: 2025-09-02. Review status: criteria provided, single submitter. Criteria: Invitae Variant Classification Sherloc (09022015). Collection method: clinical testing. Allele origin: germline.
Comment: This sequence change inserts a large fragment of DNA, likely a transposable element, in exon 276 of the TTN gene (c.52758_52759ins?), causing a frameshift at codon 17587 (p.Glu17587fs). The exact size and sequence of the insertion cannot be determined by the current assay. While this is not anticipated to result in nonsense mediated decay, it is expected to create a truncated TTN protein. This variant is not present in population databases (gnomAD no frequency). This variant has not been reported in the literature in individuals affected with TTN-related conditions. This variant is located in the A band of TTN (PMID: 25589632). Truncating variants in this region are significantly overrepresented in patients affected with dilated cardiomyopathy (PMID: 25589632). Truncating variants in this region have also been reported in individuals affected with autosomal recessive centronuclear myopathy (PMID: 23975875). Retrotransposon insertions including LINE1 (L1), Alu, and SVA (SINE-VNTR-Alu) have been reported to disrupt protein function (PMID: 19763152, 20307669, 22406018). However the effect of this particular variant is unknown. In summary, the currently available evidence indicates that the variant is pathogenic, but additional data are needed to prove that conclusively. Therefore, this variant has been classified as Likely Pathogenic.

Literature cited by the submitters: PubMed 25589632; PubMed 23975875; PubMed 19763152; PubMed 20307669; PubMed 22406018.